The following is an entry in ClinVar:

NM_000138.5(FBN1):c.3518A>T (p.Asn1173Ile)

Gene: FBN1 (fibrillin 1; minus strand). Cytogenetic location: 15q21.1.
Variant type: single nucleotide variant.
Coding change: c.3518A>T on transcript NM_000138.5 (MANE Select); coding-DNA position 3518, A replaced by T.
Protein change: p.Asn1173Ile; replaces asparagine 1173 with isoleucine.
Molecular consequence: missense variant.
Genome position (GRCh38, 1-based): chr15:48,487,146, T>A on the plus strand (A>T on the coding strand, the complement: FBN1 is on the minus strand). VCF-style: chr15-48487146-T-A. GRCh37 (hg19) VCF-style: chr15-48779343-T-A.
Other names: short protein forms N1173I.
Identifiers: ClinVar variation 570671 (VCV000570671.9), dbSNP rs1555398520, ClinGen allele CA392325157.

ClinVar aggregate classification (germline): Pathogenic (1 of 4 stars; one submission).

Conditions:
Familial thoracic aortic aneurysm and aortic dissection (TAAD). Also called: Thoracic aortic aneurysms and dissections. Identifiers: Orphanet 91387, MedGen C4707243, MONDO:0019625.
Marfan syndrome (MFS). Also called: FBN1-Related Marfan Syndrome; Marfan syndrome type 1; Marfan's syndrome; Marfan syndrome, classic; MARFAN SYNDROME, TYPE I. Identifiers: Orphanet 284963, Orphanet 558, MedGen C0024796, MONDO:0007947, OMIM 154700.

Submission:

Labcorp Genetics (formerly Invitae), Labcorp
Classification: Pathogenic for Marfan syndrome; Familial thoracic aortic aneurysm and aortic dissection. Last evaluated: 2018-11-01. Review status: criteria provided, single submitter. Criteria: Invitae Variant Classification Sherloc (09022015). Collection method: clinical testing. Allele origin: germline.
Comment: For these reasons, this variant has been classified as Pathogenic. This variant disrupts the p.Asn1173 amino acid residue in FBN1. Other variant(s) that disrupt this residue have been observed in affected individuals (PMID: 9338581, 23141514), suggesting that it is a clinically significant residue. As a result, variants that disrupt this residue are likely to be causative of disease. Algorithms developed to predict the effect of missense changes on protein structure and function are either unavailable or do not agree on the potential impact of this missense change (SIFT: "Deleterious"; PolyPhen-2: "Probably Damaging"; Align-GVGD: "Class C15"). This variant is not present in population databases (ExAC no frequency). This sequence change replaces asparagine with isoleucine at codon 1173 of the FBN1 protein (p.Asn1173Ile). The asparagine residue is highly conserved and there is a large physicochemical difference between asparagine and isoleucine.

Literature cited by the submitters: PubMed 9338581; PubMed 23141514.